The following is an entry in ClinVar:

NM_020975.6(RET):c.525_530dup (p.Arg177_Glu178insIleArg)

Gene: RET (ret proto-oncogene; plus strand). Cytogenetic location: 10q11.21.
Variant type: Duplication.
Coding change: c.525_530dup on transcript NM_020975.6 (MANE Select); coding-DNA positions 525 to 530, 6 bases duplicated (CATTCG; older notation c.525_530dupCATTCG).
Protein change: p.Arg177_Glu178insIleArg.
Molecular consequence: inframe insertion. On other transcripts: inframe indel (3), intron variant (15).
Genome position (GRCh38, 1-based): chr10:43,102,529-43,102,534, CATTCG duplicated; duplicating any 6 consecutive bases within chr10:43,102,527-43,102,534 gives the same sequence; the c. name uses the placement nearest the transcript's 3' end. VCF-style (leftmost placement, unchanged base first): chr10-43102526-C-CCGCATT. GRCh37 (hg19) VCF-style: chr10-43597974-C-CCGCATT.
Other names: c.525_530dup, p.Arg177_Glu178insIleArg (NM_000323.2, NM_001406743.1, NM_001406744.1 and 16 more transcripts); c.396_401dup, p.Arg134_Glu135insIleArg (NM_001406761.1, NM_001406762.1, NM_001406764.1 and 4 more transcripts); c.525_530dupCATTCG (NM_020975.4); c.337+1807_337+1812dup (NM_001406770.1, NM_001406766.1, NM_001406767.1 and 8 more transcripts); c.74-6502_74-6497dup (NM_001406784.1); c.74-9570_74-9565dup (NM_001406794.1, NM_001406792.1, NM_001406793.1).
Identifiers: ClinVar variation 2454139 (VCV002454139.6), dbSNP rs2492161740, ClinGen allele CA2580081495.

ClinVar aggregate classification (germline): Uncertain significance. Review status: criteria provided, multiple submitters, no conflicts (2 of 4 stars). 2 submissions from 2 submitters: Uncertain significance (2). Last evaluated 2025-04-19.

Conditions:
Hereditary cancer-predisposing syndrome. Also called: Neoplastic Syndromes, Hereditary; Hereditary neoplastic syndrome; Tumor predisposition; Hereditary Cancer Syndrome. Identifiers: Orphanet 140162, MedGen C0027672, MeSH D009386, MONDO:0015356.
Multiple endocrine neoplasia, type 2 (MEN2). Identifiers: Orphanet 653, MedGen C4048306, MONDO:0019003. Disease mechanism: gain of function.

Submissions (2):

Ambry Genetics
Classification: Uncertain significance for Hereditary cancer-predisposing syndrome. Last evaluated: 2025-04-19. Review status: criteria provided, single submitter. Criteria: Ambry Variant Classification Scheme 2023. Collection method: clinical testing. Allele origin: germline.
Comment: The c.525_530dupCATTCG variant (also known as p.I176_R177dup), located in coding exon 3 of the RET gene, results from an in-frame duplication of CATTCG at nucleotide positions 525 to 530. This results in the duplication of 2 extra residues (isoleucine and arginine) between codons 176 and 177. This amino acid region is well conserved in available vertebrate species. In addition, the in silico prediction for this alteration is inconclusive (Choi Y et al. PLoS ONE. 2012; 7(10):e46688). Based on the available evidence, the clinical significance of this variant remains unclear.

Labcorp Genetics (formerly Invitae), Labcorp
Classification: Uncertain significance for Multiple endocrine neoplasia, type 2. Last evaluated: 2023-01-31. Review status: criteria provided, single submitter. Criteria: Invitae Variant Classification Sherloc (09022015). Collection method: clinical testing. Allele origin: germline.
Comment: This variant, c.525_530dup, results in the insertion of 2 amino acid(s) of the RET protein (p.Ile176_Arg177dup), but otherwise preserves the integrity of the reading frame. This variant is not present in population databases (gnomAD no frequency). This variant has not been reported in the literature in individuals affected with RET-related conditions. Experimental studies and prediction algorithms are not available or were not evaluated, and the functional significance of this variant is currently unknown. In summary, the available evidence is currently insufficient to determine the role of this variant in disease. Therefore, it has been classified as a Variant of Uncertain Significance.